The following is an entry in ClinVar:

NM_000553.6(WRN):c.2111C>G (p.Ala704Gly)

Gene: WRN (WRN RecQ like helicase; plus strand). Cytogenetic location: 8p12.
Variant type: single nucleotide variant.
Coding change: c.2111C>G on transcript NM_000553.6 (MANE Select); coding-DNA position 2111, C replaced by G.
Protein change: p.Ala704Gly; replaces alanine 704 with glycine.
Molecular consequence: missense variant.
Genome position (GRCh38, 1-based): chr8:31,111,637, C>G. VCF-style: chr8-31111637-C-G. GRCh37 (hg19) VCF-style: chr8-30969153-C-G.
Other names: short protein forms A704G.
Identifiers: ClinVar variation 970334 (VCV000970334.5), dbSNP rs1480350235, ClinGen allele CA370912426.

ClinVar aggregate classification (germline): Uncertain significance (1 of 4 stars; one submission).

Conditions:
Werner syndrome (WRN). Identifiers: Orphanet 902, MedGen C0043119, MONDO:0010196, OMIM 277700.

Allele frequency attached by ClinVar (database versions not stated): gnomAD 0.00001; gnomAD exomes 0.00001; TOPMed 0.00001.
gnomAD v4.1: 22 of 1,613,890 alleles (0.0014%); highest among the groups gnomAD compares: Middle Eastern, 0.016%; no homozygotes.

Submission:

Labcorp Genetics (formerly Invitae), Labcorp
Classification: Uncertain significance for Werner syndrome. Last evaluated: 2026-01-25. Review status: criteria provided, single submitter. Criteria: Invitae Variant Classification Sherloc (09022015). Collection method: clinical testing. Allele origin: germline.
Comment: This sequence change replaces alanine, which is neutral and non-polar, with glycine, which is neutral and non-polar, at codon 704 of the WRN protein (p.Ala704Gly). This variant is not present in population databases (gnomAD no frequency). This variant has not been reported in the literature in individuals affected with WRN-related conditions. ClinVar contains an entry for this variant (Variation ID: 970334). An algorithm developed to predict the effect of missense changes on protein structure and function (PolyPhen-2) suggests that this variant is likely to be disruptive. RNA analysis performed to evaluate the impact of this missense change on mRNA splicing indicates it does not significantly alter splicing (internal data). In summary, the available evidence is currently insufficient to determine the role of this variant in disease. Therefore, it has been classified as a Variant of Uncertain Significance.